The following is an entry in ClinVar:

ClinVar aggregate classification (germline): Uncertain significance (1 of 4 stars; one submission).

Conditions:
DICER1-related tumor predisposition. Also called: DICER1 syndrome; DICER1-related pleuropulmonary blastoma cancer predisposition syndrome. Identifiers: Orphanet 284343, MedGen C3839822, MONDO:0100216.

Submission:

Labcorp Genetics (formerly Invitae), Labcorp
Classification: Uncertain significance for DICER1-related tumor predisposition. Last evaluated: 2021-06-01. Review status: criteria provided, single submitter. Criteria: Invitae Variant Classification Sherloc (09022015). Collection method: clinical testing. Allele origin: germline.
Comment: In summary, the available evidence is currently insufficient to determine the role of this variant in disease. Therefore, it has been classified as a Variant of Uncertain Significance. Algorithms developed to predict the effect of missense changes on protein structure and function (SIFT, PolyPhen-2, Align-GVGD) all suggest that this variant is likely to be disruptive, but these predictions have not been confirmed by published functional studies and their clinical significance is uncertain. This variant has not been reported in the literature in individuals with DICER1-related conditions. This variant is not present in population databases (ExAC no frequency). This sequence change replaces proline with leucine at codon 754 of the DICER1 protein (p.Pro754Leu). The proline residue is highly conserved and there is a moderate physicochemical difference between proline and leucine.

NM_177438.3(DICER1):c.2261C>T (p.Pro754Leu)

Gene: DICER1 (dicer 1, ribonuclease III; minus strand). Cytogenetic location: 14q32.13.
Variant type: single nucleotide variant.
Coding change: c.2261C>T on transcript NM_177438.3 (MANE Select); coding-DNA position 2261, C replaced by T.
Protein change: p.Pro754Leu; replaces proline 754 with leucine.
Molecular consequence: missense variant.
Genome position (GRCh38, 1-based): chr14:95,108,499, G>A on the plus strand (C>T on the coding strand, the complement: DICER1 is on the minus strand). VCF-style: chr14-95108499-G-A. GRCh37 (hg19) VCF-style: chr14-95574836-G-A.
Other names: c.2261C>T, p.Pro754Leu (NM_001195573.1, NM_001271282.3, NM_001291628.2 and 1 more transcripts); short protein forms P754L.
Identifiers: ClinVar variation 1358125 (VCV001358125.9), dbSNP rs2140034018, ClinGen allele CA390882433.
Genomic context (GRCh38, chr14:95,108,499, plus strand): 5'-CCTATCACATACAGGTAACAGGGCTGATCAGGTCTGGGATAACTATCCCTCAAACACTCT[G>A]GAATCTAGAGTTGGAAAGGAAAATTAAGCGTCATGCTCAAGCATATTAGCCTCTTTTCCA-3'
Protein context (NP_803187.1, residues 744-764): KRRQCYPKAI[Pro754Leu]ECLRDSYPRP